The following is an entry in ClinVar:

ClinVar aggregate classification (germline): Uncertain significance (1 of 4 stars; one submission).

Allele frequency attached by ClinVar (database versions not stated): gnomAD 0.00001; TOPMed 0.00001; gnomAD exomes 0.00002.
gnomAD v4.1: 26 of 1,612,976 alleles (0.0016%); highest among the groups gnomAD compares: Non-Finnish European, 0.0019%; no homozygotes.

Submission:

Labcorp Genetics (formerly Invitae), Labcorp
Classification: Uncertain significance. Last evaluated: 2024-01-31. Review status: criteria provided, single submitter. Criteria: Invitae Variant Classification Sherloc (09022015). Collection method: clinical testing. Allele origin: germline.
Comment: This sequence change replaces glycine, which is neutral and non-polar, with serine, which is neutral and polar, at codon 105 of the NPPC protein (p.Gly105Ser). This variant is not present in population databases (gnomAD no frequency). This variant has not been reported in the literature in individuals affected with NPPC-related conditions. An algorithm developed to predict the effect of missense changes on protein structure and function (PolyPhen-2) suggests that this variant is likely to be disruptive. In summary, the available evidence is currently insufficient to determine the role of this variant in disease. Therefore, it has been classified as a Variant of Uncertain Significance.

NM_024409.4(NPPC):c.313G>A (p.Gly105Ser)

Genes: NPPC (natriuretic peptide C; minus strand), LOC129935852 (ATAC-STARR-seq lymphoblastoid silent region 12452; plus strand). Cytogenetic location: 2q37.1.
Variant type: single nucleotide variant.
Coding change: c.313G>A on transcript NM_024409.4 (MANE Select); coding-DNA position 313, G replaced by A.
Protein change: p.Gly105Ser; replaces glycine 105 with serine.
Molecular consequence: missense variant.
Genome position (GRCh38, 1-based): chr2:231,925,493, C>T on the plus strand (G>A on the coding strand, the complement: NPPC is on the minus strand). VCF-style: chr2-231925493-C-T. GRCh37 (hg19) VCF-style: chr2-232790203-C-T.
Other names: short protein forms G105S.
Identifiers: ClinVar variation 2722072 (VCV002722072.3), dbSNP rs1691990547, ClinGen allele CA351149945.